The following is an entry in ClinVar:

NM_000540.3(RYR1):c.10440G>A (p.Lys3480=)

Gene: RYR1 (ryanodine receptor 1; plus strand). Cytogenetic location: 19q13.2.
Variant type: single nucleotide variant.
Coding change: c.10440G>A on transcript NM_000540.3 (MANE Select); coding-DNA position 10440, G replaced by A.
Protein change: p.Lys3480=; no amino-acid change (lysine 3480 retained).
Molecular consequence: synonymous variant.
Genome position (GRCh38, 1-based): chr19:38,523,309, G>A. VCF-style: chr19-38523309-G-A. GRCh37 (hg19) VCF-style: chr19-39013949-G-A.
Other names: c.10440G>A, p.Lys3480= (NM_001042723.2).
Identifiers: ClinVar variation 3633511 (VCV003633511.2).
Genomic context (GRCh38, chr19:38,523,309, plus strand): 5'-CCAGAATGAGATCAACAACATGTCCTTCCTGACTGCTGACAACAAAAGCAAAATGGCTAA[G>A]GTCGGGGCTTGGTTCTGGGAGGAGCACTTGGCAGAGAGGGCGGGAGCACCCTCTAGGACT-3'
Protein context (NP_000531.2, residues 3470-3490): LTADNKSKMA[Lys3480=]AGDIQSGGSD

ClinVar aggregate classification (germline): Uncertain significance (1 of 4 stars; one submission).

Conditions:
RYR1-related disorder. Also called: RYR1-related condition; RYR1-related disorders. Identifiers: MedGen CN239331.

Submission:

Labcorp Genetics (formerly Invitae), Labcorp
Classification: Uncertain significance for RYR1-related disorder. Last evaluated: 2025-01-17. Review status: criteria provided, single submitter. Criteria: Invitae Variant Classification Sherloc (09022015). Collection method: clinical testing. Allele origin: germline.
Comment: This sequence change affects codon 3480 of the RYR1 mRNA. It is a 'silent' change, meaning that it does not change the encoded amino acid sequence of the RYR1 protein. This variant also falls at the last nucleotide of exon 69, which is part of the consensus splice site for this exon. This variant is not present in population databases (gnomAD no frequency). This variant has not been reported in the literature in individuals affected with RYR1-related conditions. Variants that disrupt the consensus splice site are a relatively common cause of aberrant splicing (PMID: 17576681, 9536098). Algorithms developed to predict the effect of sequence changes on RNA splicing suggest that this variant may disrupt the consensus splice site. In summary, the available evidence is currently insufficient to determine the role of this variant in disease. Therefore, it has been classified as a Variant of Uncertain Significance.

Literature cited by the submitters: PubMed 17576681; PubMed 9536098.